The following is an entry in ClinVar:

ClinVar aggregate classification (germline): Likely pathogenic (1 of 4 stars; one submission).

Submission:

GeneDx
Classification: Likely pathogenic. Last evaluated: 2024-04-09. Review status: criteria provided, single submitter. Criteria: GeneDx Variant Classification Process June 2021. Collection method: clinical testing. Allele origin: germline. Affected: yes.
Comment: Canonical splice site variant predicted to result in an in-frame loss of the adjacent exon in a gene for which loss of function is a known mechanism of disease; Not observed at significant frequency in large population cohorts (gnomAD); Has not been previously published as pathogenic or benign to our knowledge

NM_006306.4(SMC1A):c.1731+1G>A

Gene: SMC1A (structural maintenance of chromosomes 1A; minus strand). Cytogenetic location: Xp11.22.
Variant type: single nucleotide variant.
Coding change: c.1731+1G>A on transcript NM_006306.4 (MANE Select); the canonical splice donor site of the intron after coding-DNA position 1731, G replaced by A.
Molecular consequence: splice donor variant.
Genome position (GRCh38, 1-based): chrX:53,405,770, C>T on the plus strand (G>A on the coding strand, the complement: SMC1A is on the minus strand). VCF-style: chrX-53405770-C-T. GRCh37 (hg19) VCF-style: chrX-53432702-C-T.
Other names: c.1665+1G>A (NM_001281463.1).
Identifiers: ClinVar variation 3372381 (VCV003372381.1).